The following is an entry in ClinVar:

ClinVar aggregate classification (germline): Uncertain significance (1 of 4 stars; one submission).

Submission:

Dasa
Classification: Uncertain significance. Last evaluated: 2025-02-11. Review status: criteria provided, single submitter. Criteria: DASA Assertion Criteria. Collection method: clinical testing. Allele origin: germline.
Comment: NM_015178.3(RHOBTB2):c.2042C>T (p.Ala681Val) is a missense variant that results in the substitution of alanine with valine. This variant is absent from population databases. Computational prediction algorithms are consistent with a benign effect. The currently available literature and clinical evidence are not sufficient to establish a definitive association between this variant and the reported condition. Therefore, this variant is classified as a variant of uncertain significance.

NM_015178.3(RHOBTB2):c.2042C>T (p.Ala681Val)

Gene: RHOBTB2 (Rho related BTB domain containing 2; plus strand). Cytogenetic location: 8p21.3.
Variant type: single nucleotide variant.
Coding change: c.2042C>T on transcript NM_015178.3 (MANE Select); coding-DNA position 2042, C replaced by T.
Protein change: p.Ala681Val; replaces alanine 681 with valine.
Molecular consequence: missense variant.
Genome position (GRCh38, 1-based): chr8:23,017,327, C>T. VCF-style: chr8-23017327-C-T. GRCh37 (hg19) VCF-style: chr8-22874840-C-T.
Other names: c.2108C>T, p.Ala703Val (NM_001160036.2); c.2063C>T, p.Ala688Val (NM_001160037.2); c.2042C>T, p.Ala681Val (NM_001374791.1); short protein forms A681V, A688V, A703V.
Identifiers: ClinVar variation 4885083 (VCV004885083.2).